The following is an entry in ClinVar:

NM_004991.4(MECOM):c.488T>C (p.Val163Ala)

Gene: MECOM (MDS1 and EVI1 complex locus; minus strand). Cytogenetic location: 3q26.2.
Variant type: single nucleotide variant.
Coding change: c.488T>C on transcript NM_004991.4 (MANE Select); coding-DNA position 488, T replaced by C.
Protein change: p.Val163Ala; replaces valine 163 with alanine.
Molecular consequence: missense variant. On other transcripts: 5 prime UTR variant (12).
Genome position (GRCh38, 1-based): chr3:169,143,720, A>G on the plus strand (T>C on the coding strand, the complement: MECOM is on the minus strand). VCF-style: chr3-169143720-A-G. GRCh37 (hg19) VCF-style: chr3-168861508-A-G.
Other names: c.116T>C, p.Val39Ala (NM_001105077.4); c.-77T>C (NM_001105078.4, NM_001163999.2, NM_001164000.2 and 9 more transcripts); c.488T>C, p.Val163Ala (NM_001366466.2, NM_001366473.2); short protein forms V163A, V39A.
Identifiers: ClinVar variation 4842743 (VCV004842743.1).

ClinVar aggregate classification (germline): Uncertain significance (1 of 4 stars; one submission).

Conditions:
Inborn genetic diseases. Identifiers: MedGen C0950123, MeSH D030342.

gnomAD v4.1: 1 of 1,604,958 alleles (0.000062%); highest among the groups gnomAD compares: Non-Finnish European, 0.000085%; no homozygotes.

Submission:

Ambry Genetics
Classification: Uncertain significance for Inborn genetic diseases. Last evaluated: 2025-12-15. Review status: criteria provided, single submitter. Criteria: Ambry Variant Classification Scheme 2023. Collection method: clinical testing. Allele origin: germline.
Comment: The p.V163A variant (also known as c.488T>C), located in coding exon 3 of the MECOM gene, results from a T to C substitution at nucleotide position 488. The valine at codon 163 is replaced by alanine, an amino acid with similar properties. This amino acid position is conserved. In addition, this alteration is predicted to be tolerated by in silico analysis. Based on the available evidence, the clinical significance of this variant remains unclear.